The following is an entry in ClinVar:

NM_020937.4(FANCM):c.2662A>G (p.Asn888Asp)

Gene: FANCM (FA complementation group M; plus strand). Cytogenetic location: 14q21.2.
Variant type: single nucleotide variant.
Coding change: c.2662A>G on transcript NM_020937.4 (MANE Select); coding-DNA position 2662, A replaced by G.
Protein change: p.Asn888Asp; replaces asparagine 888 with aspartic acid.
Molecular consequence: missense variant.
Genome position (GRCh38, 1-based): chr14:45,175,416, A>G. VCF-style: chr14-45175416-A-G. GRCh37 (hg19) VCF-style: chr14-45644619-A-G.
Other names: c.2584A>G, p.Asn862Asp (NM_001308133.2); short protein forms N862D, N888D.
Identifiers: ClinVar variation 1691896 (VCV001691896.3), dbSNP rs755964806, ClinGen allele CA7169385.

ClinVar aggregate classification (germline): Uncertain significance. Review status: criteria provided, multiple submitters, no conflicts (2 of 4 stars). 2 submissions from 2 submitters: Uncertain significance (2). Last evaluated 2024-10-02.

Conditions:
Hereditary cancer-predisposing syndrome. Also called: Hereditary Cancer Syndrome; Hereditary neoplastic syndrome; Neoplastic Syndromes, Hereditary; Tumor predisposition. Identifiers: Orphanet 140162, MedGen C0027672, MeSH D009386, MONDO:0015356.
Fanconi anemia (FA). Also called: Fanconi's anemia. Identifiers: Orphanet 84, MedGen C0015625, MeSH D005199, MONDO:0019391.

Allele frequency attached by ClinVar (database versions not stated): gnomAD exomes below 0.00001; ExAC 0.00001.
gnomAD v4.1: 3 of 1,580,740 alleles (0.00019%); highest among the groups gnomAD compares: African/African-American, 0.0041%; no homozygotes.

Submissions (2):

Labcorp Genetics (formerly Invitae), Labcorp
Classification: Uncertain significance for Fanconi anemia. Last evaluated: 2024-10-02. Review status: criteria provided, single submitter. Criteria: Invitae Variant Classification Sherloc (09022015). Collection method: clinical testing. Allele origin: germline.
Comment: This sequence change replaces asparagine, which is neutral and polar, with aspartic acid, which is acidic and polar, at codon 888 of the FANCM protein (p.Asn888Asp). This variant is present in population databases (rs755964806, gnomAD 0.008%). This variant has not been reported in the literature in individuals affected with FANCM-related conditions. ClinVar contains an entry for this variant (Variation ID: 1691896). An algorithm developed to predict the effect of missense changes on protein structure and function outputs the following: PolyPhen-2: "Benign". The aspartic acid amino acid residue is found in multiple mammalian species, which suggests that this missense change does not adversely affect protein function. In summary, the available evidence is currently insufficient to determine the role of this variant in disease. Therefore, it has been classified as a Variant of Uncertain Significance.

Sema4
Classification: Uncertain significance for Hereditary cancer-predisposing syndrome. Last evaluated: 2021-12-15. Review status: criteria provided, single submitter. Criteria: Sema4 Curation Guidelines. Collection method: curation. Allele origin: germline.
Comment: The FANCM c.2662A>G (p.N888D) variant has not been reported in the literature to our knowledge. It was observed in 3/24394 chromosomes of the African/African American subpopulation in the large and broad cohorts of the Genome Aggregation Database (PMID: 32461654). The variant has not been reported in ClinVar. In silico tools suggest the impact of the variant on protein function is benign, though these predictions have not been confirmed by functional studies. The evidence is insufficient to meet ACMG/AMP criteria for classifying the variant as benign or pathogenic. Thus, the clinical significance of this variant is currently uncertain.